The following is an entry in ClinVar:

NM_006231.4(POLE):c.6598G>T (p.Glu2200Ter)

Gene: POLE (DNA polymerase epsilon, catalytic subunit; minus strand). Cytogenetic location: 12q24.33.
Variant type: single nucleotide variant.
Coding change: c.6598G>T on transcript NM_006231.4 (MANE Select); coding-DNA position 6598, G replaced by T.
Protein change: p.Glu2200Ter; replaces glutamic acid 2200 with a stop codon.
Molecular consequence: nonsense.
Genome position (GRCh38, 1-based): chr12:132,625,704, C>A on the plus strand (G>T on the coding strand, the complement: POLE is on the minus strand). VCF-style: chr12-132625704-C-A. GRCh37 (hg19) VCF-style: chr12-133202290-C-A.
Other names: c.6598G>T (NM_006231.2); short protein forms E2200*.
Identifiers: ClinVar variation 1430185 (VCV001430185.9), dbSNP rs752113614, ClinGen allele CA387366644.

ClinVar aggregate classification (germline): Conflicting classifications of pathogenicity. Review status: criteria provided, conflicting classifications (1 of 4 stars). 2 submissions from 2 submitters: Pathogenic (1); Uncertain significance (1). Last evaluated 2025-05-13.

Conditions:
Hereditary cancer-predisposing syndrome. Also called: Hereditary Cancer Syndrome; Hereditary neoplastic syndrome; Neoplastic Syndromes, Hereditary; Tumor predisposition. Identifiers: Orphanet 140162, MedGen C0027672, MeSH D009386, MONDO:0015356.

Submissions (2):

Ambry Genetics
Classification: Uncertain significance for Hereditary cancer-predisposing syndrome. Last evaluated: 2025-05-13. Review status: criteria provided, single submitter. Criteria: Ambry Variant Classification Scheme 2023. Collection method: clinical testing. Allele origin: germline.
Comment: The p.E2200* variant (also known as c.6598G>T), located in coding exon 47 of the POLE gene, results from a G to T substitution at nucleotide position 6598. This changes the amino acid from a glutamic acid to a stop codon within coding exon 47. This alteration is expected to result in loss of function by premature protein truncation or nonsense-mediated mRNA decay. Although biallelic loss of function of POLE has been associated with autosomal recessive POLE deficiency, haploinsufficiency of POLE has not been established as a mechanism of disease for POLE-related polymerase proofreading-associated polyposis (PPAP) and POLE-related CMMRD-like syndrome. Based on the supporting evidence, this variant is expected to be causative of POLE deficiency when present along with a second pathogenic variant on the other allele; however, its clinical significance for PPAP and POLE-related CMMRD-like syndrome is unclear.

Labcorp Genetics (formerly Invitae), Labcorp
Classification: Pathogenic. Last evaluated: 2023-05-11. Review status: criteria provided, single submitter. Criteria: Invitae Variant Classification Sherloc (09022015). Collection method: clinical testing. Allele origin: germline.
Comment: For these reasons, this variant has been classified as Pathogenic. Algorithms developed to predict the effect of sequence changes on RNA splicing suggest that this variant may create or strengthen a splice site. ClinVar contains an entry for this variant (Variation ID: 1430185). This variant has not been reported in the literature in individuals affected with POLE-related conditions. This variant is not present in population databases (gnomAD no frequency). This sequence change creates a premature translational stop signal (p.Glu2200*) in the POLE gene. It is expected to result in an absent or disrupted protein product. Loss-of-function variants in POLE are known to be pathogenic (PMID: 23230001, 25948378, 30503519).

Literature cited by the submitters: PubMed 23230001 (cited by Labcorp Genetics (formerly Invitae), Labcorp); PubMed 25948378 (cited by Labcorp Genetics (formerly Invitae), Labcorp); PubMed 30503519 (cited by Labcorp Genetics (formerly Invitae), Labcorp).